The following is an entry in ClinVar:

NM_000539.3(RHO):c.180C>T (p.Tyr60=)

Gene: RHO (rhodopsin; plus strand). Cytogenetic location: 3q22.1.
Variant type: single nucleotide variant.
Coding change: c.180C>T on transcript NM_000539.3 (MANE Select); coding-DNA position 180, C replaced by T.
Protein change: p.Tyr60=; no amino-acid change (tyrosine 60 retained).
Molecular consequence: synonymous variant.
Genome position (GRCh38, 1-based): chr3:129,528,913, C>T. VCF-style: chr3-129528913-C-T. GRCh37 (hg19) VCF-style: chr3-129247756-C-T.
Identifiers: ClinVar variation 1298939 (VCV001298939.40), dbSNP rs527236101, ClinGen allele CA435768956.

ClinVar aggregate classification (germline): Likely benign. Review status: criteria provided, multiple submitters, no conflicts (2 of 4 stars). 3 submissions from 3 submitters: Likely benign (3). Last evaluated 2025-10-21.

Conditions:
RHO-related disorder. Also called: RHO-related condition.

Allele frequency attached by ClinVar (database versions not stated): gnomAD exomes below 0.00001; TOPMed below 0.00001.
gnomAD v4.1: 4 of 1,614,264 alleles (0.00025%); highest among the groups gnomAD compares: South Asian, 0.0011%; no homozygotes.

Submissions (3):

Labcorp Genetics (formerly Invitae), Labcorp
Classification: Likely benign. Last evaluated: 2025-10-21. Review status: criteria provided, single submitter. Criteria: Invitae Variant Classification Sherloc (09022015). Collection method: clinical testing. Allele origin: germline.

PreventionGenetics, part of Exact Sciences
Classification: Likely benign for RHO-related condition. Last evaluated: 2025-08-29. Review status: criteria provided, single submitter. Criteria: ACMG Guidelines, 2015. Collection method: clinical testing. Allele origin: germline.
Comment: This variant is classified as likely benign based on ACMG/AMP sequence variant interpretation guidelines (Richards et al. 2015 PMID: 25741868, with internal and published modifications).

CeGaT Center for Human Genetics Tuebingen
Classification: Likely benign. Last evaluated: 2021-08-01. Review status: criteria provided, single submitter. Criteria: CeGaT Center For Human Genetics Tuebingen Variant Classification Criteria Version 2. Collection method: clinical testing. Allele origin: germline. Affected: yes. Observed: 1 variant allele.